The following is an entry in ClinVar:

ClinVar aggregate classification (germline): Uncertain significance (1 of 4 stars; one submission).

gnomAD v4.1: 4 of 1,613,526 alleles (0.00025%); highest among the groups gnomAD compares: Non-Finnish European, 0.00025%; no homozygotes.

Submission:

GeneDx
Classification: Uncertain significance. Last evaluated: 2025-05-21. Review status: criteria provided, single submitter. Criteria: GeneDx Variant Classification Process June 2021. Collection method: clinical testing. Allele origin: germline. Affected: yes.
Comment: Has not been previously published as pathogenic or benign to our knowledge; Not observed at significant frequency in large population cohorts (gnomAD); In silico analysis supports that this missense variant has a deleterious effect on protein structure/function

NM_001365276.2(TNXB):c.7359G>C (p.Gln2453His)

Gene: TNXB (tenascin XB; minus strand). Cytogenetic location: 6p21.33.
Variant type: single nucleotide variant.
Coding change: c.7359G>C on transcript NM_001365276.2 (MANE Select); coding-DNA position 7359, G replaced by C.
Protein change: p.Gln2453His; replaces glutamine 2453 with histidine.
Molecular consequence: missense variant.
Genome position (GRCh38, 1-based): chr6:32,061,530, C>G on the plus strand (G>C on the coding strand, the complement: TNXB is on the minus strand). VCF-style: chr6-32061530-C-G. GRCh37 (hg19) VCF-style: chr6-32029307-C-G.
Other names: c.7359G>C, p.Gln2453His (NM_019105.8); short protein forms Q2453H.
Identifiers: ClinVar variation 1314164 (VCV001314164.3), dbSNP rs755223727, ClinGen allele CA363552654.